The following is an entry in ClinVar:

NM_018263.6(ASXL2):c.2950G>T (p.Ala984Ser)

Gene: ASXL2 (ASXL transcriptional regulator 2; minus strand). Cytogenetic location: 2p23.3.
Variant type: single nucleotide variant.
Coding change: c.2950G>T on transcript NM_018263.6 (MANE Select); coding-DNA position 2950, G replaced by T.
Protein change: p.Ala984Ser; replaces alanine 984 with serine.
Molecular consequence: missense variant.
Genome position (GRCh38, 1-based): chr2:25,743,387, C>A on the plus strand (G>T on the coding strand, the complement: ASXL2 is on the minus strand). VCF-style: chr2-25743387-C-A. GRCh37 (hg19) VCF-style: chr2-25966256-C-A.
Other names: c.2776G>T, p.Ala926Ser (NM_001369346.1); c.2170G>T, p.Ala724Ser (NM_001369347.1); short protein forms A724S, A926S, A984S.
Identifiers: ClinVar variation 2630684 (VCV002630684.1), dbSNP rs2465305255, ClinGen allele CA346079955.

ClinVar aggregate classification (germline): Uncertain significance (1 of 4 stars; one submission).

Conditions:
ASXL2-related disorder. Also called: ASXL2-related condition.

Allele frequency attached by ClinVar (database versions not stated): gnomAD exomes below 0.00001.
gnomAD v4.1: 1 of 1,613,936 alleles (0.000062%); highest among the groups gnomAD compares: Non-Finnish European, 0.000085%; no homozygotes.

Submission:

PreventionGenetics, part of Exact Sciences
Classification: Uncertain significance for ASXL2-related condition. Last evaluated: 2023-10-11. Review status: criteria provided, single submitter. Criteria: ACMG Guidelines, 2015. Collection method: clinical testing. Allele origin: germline.
Comment: The ASXL2 c.2950G>T variant is predicted to result in the amino acid substitution p.Ala984Ser. To our knowledge, this variant has not been reported in the literature or in a large population database, indicating this variant is rare. At this time, the clinical significance of this variant is uncertain due to the absence of conclusive functional and genetic evidence.